The following is an entry in ClinVar:

NM_152618.3(BBS12):c.2045T>C (p.Leu682Ser)

Gene: BBS12 (Bardet-Biedl syndrome 12; plus strand). Cytogenetic location: 4q27.
Variant type: single nucleotide variant.
Coding change: c.2045T>C on transcript NM_152618.3 (MANE Select); coding-DNA position 2045, T replaced by C.
Protein change: p.Leu682Ser; replaces leucine 682 with serine.
Molecular consequence: missense variant.
Genome position (GRCh38, 1-based): chr4:122,743,937, T>C. VCF-style: chr4-122743937-T-C. GRCh37 (hg19) VCF-style: chr4-123665092-T-C.
Other names: c.2045T>C, p.Leu682Ser (NM_001178007.2); c.2045T>C (NM_152618.2); short protein forms L682S.
Identifiers: ClinVar variation 1362317 (VCV001362317.4), dbSNP rs2150738089, ClinGen allele CA358226440.

ClinVar aggregate classification (germline): Uncertain significance. Review status: criteria provided, multiple submitters, no conflicts (2 of 4 stars). 2 submissions from 2 submitters: Uncertain significance (2). Last evaluated 2024-12-14.

Conditions:
BBS12-related disorder. Also called: BBS12-related condition.
Bardet-Biedl syndrome (BBS). Identifiers: Orphanet 110, MedGen C0752166, MONDO:0015229.

Submissions (2):

PreventionGenetics, part of Exact Sciences
Classification: Uncertain significance for BBS12-related condition. Last evaluated: 2024-12-14. Review status: criteria provided, single submitter. Criteria: ACMG Guidelines, 2015. Collection method: clinical testing. Allele origin: germline.
Comment: The BBS12 c.2045T>C variant is predicted to result in the amino acid substitution p.Leu682Ser. To our knowledge, this variant has not been reported in the literature or in a large population database (gnomAD), indicating this variant is rare. At this time, the clinical significance of this variant is uncertain due to the absence of conclusive functional and genetic evidence.

Labcorp Genetics (formerly Invitae), Labcorp
Classification: Uncertain significance for Bardet-Biedl syndrome. Last evaluated: 2021-10-06. Review status: criteria provided, single submitter. Criteria: Invitae Variant Classification Sherloc (09022015). Collection method: clinical testing. Allele origin: germline.
Comment: This sequence change replaces leucine with serine at codon 682 of the BBS12 protein (p.Leu682Ser). The leucine residue is highly conserved and there is a large physicochemical difference between leucine and serine. This variant is not present in population databases (ExAC no frequency). This variant has not been reported in the literature in individuals affected with BBS12-related conditions. Algorithms developed to predict the effect of missense changes on protein structure and function (SIFT, PolyPhen-2, Align-GVGD) all suggest that this variant is likely to be disruptive. In summary, the available evidence is currently insufficient to determine the role of this variant in disease. Therefore, it has been classified as a Variant of Uncertain Significance.